The following is an entry in ClinVar:

ClinVar aggregate classification (germline): Uncertain significance (1 of 4 stars; one submission).

Submission:

Labcorp Genetics (formerly Invitae), Labcorp
Classification: Uncertain significance. Last evaluated: 2022-09-26. Review status: criteria provided, single submitter. Criteria: Invitae Variant Classification Sherloc (09022015). Collection method: clinical testing. Allele origin: germline.
Comment: This sequence change replaces isoleucine, which is neutral and non-polar, with methionine, which is neutral and non-polar, at codon 364 of the FZD4 protein (p.Ile364Met). This variant is not present in population databases (gnomAD no frequency). This variant has not been reported in the literature in individuals affected with FZD4-related conditions. ClinVar contains an entry for this variant (Variation ID: 1367049). Advanced modeling of protein sequence and biophysical properties (such as structural, functional, and spatial information, amino acid conservation, physicochemical variation, residue mobility, and thermodynamic stability) performed at Invitae indicates that this missense variant is not expected to disrupt FZD4 protein function. In summary, the available evidence is currently insufficient to determine the role of this variant in disease. Therefore, it has been classified as a Variant of Uncertain Significance.

NM_012193.4(FZD4):c.1092T>G (p.Ile364Met)

Genes: FZD4 (frizzled class receptor 4; minus strand), PRSS23 (serine protease 23; plus strand). Cytogenetic location: 11q14.2.
Variant type: single nucleotide variant.
Coding change: c.1092T>G on transcript NM_012193.4 (MANE Select); coding-DNA position 1092, T replaced by G.
Protein change: p.Ile364Met; replaces isoleucine 364 with methionine.
Molecular consequence: missense variant. On other transcripts: non-coding transcript variant (2).
Genome position (GRCh38, 1-based): chr11:86,951,664, A>C on the plus strand (T>G on the coding strand, the complement: FZD4 is on the minus strand). VCF-style: chr11-86951664-A-C. GRCh37 (hg19) VCF-style: chr11-86662706-A-C.
Other names: short protein forms I364M.
Identifiers: ClinVar variation 1367049 (VCV001367049.6), dbSNP rs2135040600, ClinGen allele CA382013210.